The following is an entry in ClinVar:

ClinVar aggregate classification (germline): Pathogenic (1 of 4 stars; one submission).

Conditions:
Primary ciliary dyskinesia 19. Also called: CILIARY DYSKINESIA, PRIMARY, 19, WITH OR WITHOUT SITUS INVERSUS. Identifiers: Orphanet 244, MedGen C3543826, MONDO:0013979, OMIM 614935.

Submission:

Labcorp Genetics (formerly Invitae), Labcorp
Classification: Pathogenic for Primary ciliary dyskinesia 19. Last evaluated: 2024-05-23. Review status: criteria provided, single submitter. Criteria: Invitae Variant Classification Sherloc (09022015). Collection method: clinical testing. Allele origin: germline.
Comment: This sequence change creates a premature translational stop signal (p.Gly101Glufs*4) in the LRRC6 gene. It is expected to result in an absent or disrupted protein product. Loss-of-function variants in LRRC6 are known to be pathogenic (PMID: 23122589). This variant is not present in population databases (gnomAD no frequency). This variant has not been reported in the literature in individuals affected with LRRC6-related conditions. For these reasons, this variant has been classified as Pathogenic.

Literature cited by the submitters: PubMed 23122589.

NM_012472.6(DNAAF11):c.302_309del (p.Gly101fs)

Gene: DNAAF11 (dynein axonemal assembly factor 11; minus strand). Cytogenetic location: 8q24.22.
Variant type: Deletion.
Coding change: c.302_309del on transcript NM_012472.6 (MANE Select); coding-DNA positions 302 to 309, 8 bases deleted (GAGAGCTG; older notation c.302_309delGAGAGCTG).
Protein change: p.Gly101fs; shifts the reading frame from glycine 101.
Molecular consequence: frameshift variant. On other transcripts: 5 prime UTR variant (4), non-coding transcript variant (10).
Genome position (GRCh38, 1-based): chr8:132,638,055-132,638,062, CAGCTCTC deleted on the plus strand (GAGAGCTG on the coding strand, the reverse complement: DNAAF11 is on the minus strand); deleting any 8 consecutive bases within chr8:132,638,055-132,638,064 gives the same sequence; the c. name uses the placement nearest the transcript's 3' end. VCF-style (leftmost placement, unchanged base first): chr8-132638054-TCAGCTCTC-T. GRCh37 (hg19) VCF-style: chr8-133650300-TCAGCTCTC-T.
Other names: c.302_309del, p.Gly101fs (NM_001321961.2); c.56_63del, p.Gly19fs (NM_001321962.2); c.-59_-52del (NM_001321963.2, NM_001321964.2, NM_001321965.2 and 1 more transcripts); short protein forms G101fs, G19fs.
Identifiers: ClinVar variation 3654296 (VCV003654296.2).
Genomic context (GRCh38, chr8:132,638,054, plus strand): 5'-GGTTCCCCATGAGAAAGAGCTCCTTCAGATGGATATTGTGCTGCAAGTTTTTAATGCTGC[TCAGCTCTC>T]CAATGAAATTCACAGTCAGGTCAAGTTTTGCCAGCTCTTCACATCCTGTTGAGAAAAATA-3'